The following is an entry in ClinVar:

NM_001003694.2(BRPF1):c.3112C>T (p.Arg1038Trp)

Gene: BRPF1 (bromodomain and PHD finger containing 1; plus strand). Cytogenetic location: 3p25.3.
Variant type: single nucleotide variant.
Coding change: c.3112C>T on transcript NM_001003694.2 (MANE Select); coding-DNA position 3112, C replaced by T.
Protein change: p.Arg1038Trp; replaces arginine 1038 with tryptophan.
Molecular consequence: missense variant. On other transcripts: non-coding transcript variant (1).
Genome position (GRCh38, 1-based): chr3:9,745,616, C>T. VCF-style: chr3-9745616-C-T. GRCh37 (hg19) VCF-style: chr3-9787300-C-T.
Other names: c.3091C>T, p.Arg1031Trp (NM_001319050.2); c.3109C>T, p.Arg1037Trp (NM_001410704.1); c.3094C>T, p.Arg1032Trp (NM_004634.3); c.2809C>T, p.Arg937Trp (NM_001319049.2); short protein forms R1031W, R1032W, R1037W, R1038W, R937W.
Identifiers: ClinVar variation 2663583 (VCV002663583.2), dbSNP rs762177440, ClinGen allele CA351703679.

ClinVar aggregate classification (germline): Uncertain significance (1 of 4 stars; one submission).

gnomAD v4.1: 10 of 1,614,184 alleles (0.00062%); highest among the groups gnomAD compares: East Asian, 0.0022%; no homozygotes.

Submission:

GeneDx
Classification: Uncertain significance. Last evaluated: 2026-10-15. Review status: criteria provided, single submitter. Criteria: GeneDx Variant Classification Process June 2021. Collection method: clinical testing. Allele origin: germline.
Comment: In silico analysis supports that this missense variant has a deleterious effect on protein structure/function; Has not been previously published as pathogenic or benign to our knowledge